The following is an entry in ClinVar:

ClinVar aggregate classification (germline): Benign/Likely benign. Review status: criteria provided, multiple submitters, no conflicts (2 of 4 stars). 5 submissions from 5 submitters: Benign (3); Likely benign (1). 1 of the submissions does not count toward it. Last evaluated 2026-01-31.

Conditions:
CAD-related disorder. Also called: CAD-related condition.
Developmental and epileptic encephalopathy, 50 (DEE50). Also called: Epileptic encephalopathy, early infantile, 50. Identifiers: Orphanet 448010, MedGen C4225320, MONDO:0014647, OMIM 616457.

Allele frequency attached by ClinVar (database versions not stated): gnomAD exomes 0.00068 and 0.00162; ExAC 0.00203; 1000 Genomes Project 30x 0.00578; 1000 Genomes Project 0.00579; gnomAD 0.00606 and 0.00656; ESP Exome Variant Server 0.00661; TOPMed 0.00693.
gnomAD v4.1: 2,009 of 1,614,114 alleles (0.12%); highest among the groups gnomAD compares: African/African-American, 2%; 15 homozygotes.

Submissions (5):

Labcorp Genetics (formerly Invitae), Labcorp
Classification: Benign. Last evaluated: 2026-01-31. Review status: criteria provided, single submitter. Criteria: Invitae Variant Classification Sherloc (09022015). Collection method: clinical testing. Allele origin: germline.

Blueprint Genetics
Classification: Likely benign. Last evaluated: 2024-11-06. Review status: criteria provided, single submitter. Criteria: ACMG Guidelines, 2015. Collection method: clinical testing. Allele origin: germline.

ARUP Laboratories, Molecular Genetics and Genomics, ARUP Laboratories
Classification: Benign for Developmental and epileptic encephalopathy, 50. Last evaluated: 2024-10-11. Review status: criteria provided, single submitter. Criteria: ARUP Molecular Germline Variant Investigation Process 2024. Collection method: clinical testing. Allele origin: germline.

Mayo Clinic Laboratories, Mayo Clinic
Classification: Benign. Last evaluated: 2023-03-24. Review status: criteria provided, single submitter. Criteria: ACMG Guidelines, 2015. Collection method: clinical testing. Allele origin: germline. Observed: 3 variant alleles.
Comment: BS1, BS2, BP4, BP7

PreventionGenetics, part of Exact Sciences
Classification: Likely benign for CAD-related condition. Last evaluated: 2019-03-21. Review status: no assertion criteria provided. Collection method: clinical testing. Allele origin: germline. Not counted in ClinVar's aggregate classification.
Comment: This variant is classified as likely benign based on ACMG/AMP sequence variant interpretation guidelines (Richards et al. 2015 PMID: 25741868, with internal and published modifications).

NM_004341.5(CAD):c.4596G>A (p.Ala1532=)

Gene: CAD (carbamoyl-phosphate synthetase 2, aspartate transcarbamylase, and dihydroorotase; plus strand). Cytogenetic location: 2p23.3.
Variant type: single nucleotide variant.
Coding change: c.4596G>A on transcript NM_004341.5 (MANE Select); coding-DNA position 4596, G replaced by A.
Protein change: p.Ala1532=; no amino-acid change (alanine 1532 retained).
Molecular consequence: synonymous variant.
Genome position (GRCh38, 1-based): chr2:27,237,750, G>A. VCF-style: chr2-27237750-G-A. GRCh37 (hg19) VCF-style: chr2-27460618-G-A.
Other names: p.Ala1532=; c.4407G>A, p.Ala1469= (NM_001306079.2).
Identifiers: ClinVar variation 786478 (VCV000786478.16), dbSNP rs151204610, ClinGen allele CA1573591.